The following is an entry in ClinVar:

ClinVar aggregate classification (germline): Conflicting classifications of pathogenicity. Review status: criteria provided, conflicting classifications (1 of 4 stars). 5 submissions from 5 submitters: Uncertain significance (4); Likely benign (1). Last evaluated 2025-06-27.

Conditions:
Hereditary breast ovarian cancer syndrome. Also called: Hereditary breast and ovarian cancer; Hereditary breast and ovarian cancer syndrome (HBOC); Hereditary breast and/or ovarian cancer syndrome; Hereditary breast and ovarian cancer syndrome; Breast and ovarian cancer; BRCA1- and BRCA2-Associated Hereditary Breast and Ovarian Cancer. Identifiers: Orphanet 145, MedGen C0677776, MeSH D061325, MONDO:0003582. Disease mechanism: loss of function.
Breast-ovarian cancer, familial, susceptibility to, 2 (BROVCA2). Also called: BRCA2 Hereditary Breast and Ovarian Cancer. Identifiers: Orphanet 145, MedGen C2675520, MONDO:0012933, OMIM 612555. Disease mechanism: loss of function.
Hereditary cancer-predisposing syndrome. Also called: Tumor predisposition; Neoplastic Syndromes, Hereditary; Hereditary Cancer Syndrome; Hereditary neoplastic syndrome. Identifiers: Orphanet 140162, MedGen C0027672, MeSH D009386, MONDO:0015356.

Allele frequency attached by ClinVar (database versions not stated): gnomAD exomes below 0.00001; ExAC 0.00001.
gnomAD v4.1: 2 of 1,597,422 alleles (0.00013%); highest among the groups gnomAD compares: South Asian, 0.0011%; no homozygotes.

Submissions (5):

Labcorp Genetics (formerly Invitae), Labcorp
Classification: Uncertain significance for Hereditary breast ovarian cancer syndrome. Last evaluated: 2025-06-27. Review status: criteria provided, single submitter. Criteria: Invitae Variant Classification Sherloc (09022015). Collection method: clinical testing. Allele origin: germline.
Comment: This sequence change replaces isoleucine, which is neutral and non-polar, with valine, which is neutral and non-polar, at codon 1436 of the BRCA2 protein (p.Ile1436Val). This variant is present in population databases (rs778282885, gnomAD 0.003%). This variant has not been reported in the literature in individuals affected with BRCA2-related conditions. ClinVar contains an entry for this variant (Variation ID: 628306). Invitae Evidence Modeling of protein sequence and biophysical properties (such as structural, functional, and spatial information, amino acid conservation, physicochemical variation, residue mobility, and thermodynamic stability) indicates that this missense variant is not expected to disrupt BRCA2 protein function with a negative predictive value of 95%. In summary, the available evidence is currently insufficient to determine the role of this variant in disease. Therefore, it has been classified as a Variant of Uncertain Significance.

University of Washington Department of Laboratory Medicine, University of Washington
Classification: Likely benign for Hereditary cancer-predisposing syndrome. Last evaluated: 2023-03-23. Review status: criteria provided, single submitter. Criteria: Dines et al. (Genet Med. 2020). Collection method: curation. Allele origin: germline.
Comment: Missense variant in a coldspot region where missense variants are very unlikely to be pathogenic (PMID:31911673).

BRCA2 exon 11 coldspot. Reclassification based on statistical prior probability.

Ambry Genetics
Classification: Uncertain significance for Hereditary cancer-predisposing syndrome. Last evaluated: 2023-01-27. Review status: criteria provided, single submitter. Criteria: Ambry Variant Classification Scheme 2023. Collection method: clinical testing. Allele origin: germline.
Comment: The p.I1436V variant (also known as c.4306A>G), located in coding exon 10 of the BRCA2 gene, results from an A to G substitution at nucleotide position 4306. The isoleucine at codon 1436 is replaced by valine, an amino acid with highly similar properties. This amino acid position is not well conserved in available vertebrate species. In addition, this alteration is predicted to be tolerated by in silico analysis. Since supporting evidence is limited at this time, the clinical significance of this alteration remains unclear.

Mendelics
Classification: Uncertain significance for Breast-ovarian cancer, familial, susceptibility to, 2. Last evaluated: 2019-05-28. Review status: criteria provided, single submitter. Criteria: Mendelics Assertion Criteria 2017. Collection method: clinical testing. Allele origin: unknown.

Color Diagnostics, LLC DBA Color Health
Classification: Uncertain significance for Hereditary cancer-predisposing syndrome. Last evaluated: 2019-04-28. Review status: criteria provided, single submitter. Criteria: ACMG Guidelines, 2015. Collection method: clinical testing. Allele origin: germline.

NM_000059.4(BRCA2):c.4306A>G (p.Ile1436Val)

Gene: BRCA2 (BRCA2 DNA repair associated; plus strand). Cytogenetic location: 13q13.1.
Variant type: single nucleotide variant.
Coding change: c.4306A>G on transcript NM_000059.4 (MANE Select); coding-DNA position 4306, A replaced by G.
Protein change: p.Ile1436Val; replaces isoleucine 1436 with valine.
Molecular consequence: missense variant.
Genome position (GRCh38, 1-based): chr13:32,338,661, A>G. VCF-style: chr13-32338661-A-G. GRCh37 (hg19) VCF-style: chr13-32912798-A-G.
Other names: short protein forms I1436V.
Identifiers: ClinVar variation 628306 (VCV000628306.17), dbSNP rs778282885, ClinGen allele CA6940768.